The following is an entry in ClinVar:

ClinVar aggregate classification (germline): Benign. Review status: criteria provided, multiple submitters, no conflicts (2 of 4 stars). 3 submissions from 3 submitters: Benign (2). 1 of the submissions does not count toward it. Last evaluated 2016-03-29.

Conditions:
PXDNL-related disorder. Also called: PXDNL-related condition.

Allele frequency attached by ClinVar (database versions not stated): gnomAD exomes 0.16334 and 0.18311; ESP Exome Variant Server 0.19874; ExAC 0.20430; 1000 Genomes Project 0.23482; gnomAD 0.23764 and 0.24268; 1000 Genomes Project 30x 0.24219; TOPMed 0.24267.
gnomAD v4.1: 258,582 of 1,510,642 alleles (17%); highest among the groups gnomAD compares: African/African-American, 40%; 25,352 homozygotes.

Submissions (3):

Laboratory for Molecular Medicine, Mass General Brigham Personalized Medicine
Classification: Benign. Last evaluated: 2016-03-29. Review status: criteria provided, single submitter. Criteria: LMM Criteria. Collection method: clinical testing. Allele origin: germline.
Comment: Variant identified in a genome or exome case(s) and assessed due to predicted null impact of the variant or pathogenic assertions in the literature or databases. Disclaimer: This variant has not undergone full assessment. The following are preliminary notes: Frequency

Breakthrough Genomics
Classification: Benign. Review status: criteria provided, single submitter. Criteria: ACMG Guidelines, 2015. Collection method: not provided. Allele origin: germline. Inheritance: Unknown mechanism. Affected: yes.

PreventionGenetics, part of Exact Sciences
Classification: Benign for PXDNL-related condition. Last evaluated: 2019-11-05. Review status: no assertion criteria provided. Collection method: clinical testing. Allele origin: germline. Not counted in ClinVar's aggregate classification.
Comment: This variant is classified as benign based on ACMG/AMP sequence variant interpretation guidelines (Richards et al. 2015 PMID: 25741868, with internal and published modifications).

NM_144651.5(PXDNL):c.486A>G (p.Pro162=)

Gene: PXDNL (peroxidasin like; minus strand). Cytogenetic location: 8q11.22.
Variant type: single nucleotide variant.
Coding change: c.486A>G on transcript NM_144651.5 (MANE Select); coding-DNA position 486, A replaced by G.
Protein change: p.Pro162=; no amino-acid change (proline 162 retained).
Molecular consequence: synonymous variant.
Genome position (GRCh38, 1-based): chr8:51,483,681, T>C on the plus strand (A>G on the coding strand, the complement: PXDNL is on the minus strand). VCF-style: chr8-51483681-T-C. GRCh37 (hg19) VCF-style: chr8-52396241-T-C.
Identifiers: ClinVar variation 403358 (VCV000403358.7), dbSNP rs7837348, ClinGen allele CA4745641.